The following is an entry in ClinVar:

ClinVar aggregate classification (germline): Uncertain significance (1 of 4 stars; one submission).

Conditions:
Left ventricular noncompaction 8 (LVNC8). Identifiers: Orphanet 154, Orphanet 54260, MedGen C3809288, MONDO:0014152, OMIM 615373.

Allele frequency attached by ClinVar (database versions not stated): TOPMed below 0.00001; gnomAD exomes 0.00001.
gnomAD v4.1: 3 of 1,613,744 alleles (0.00019%); highest among the groups gnomAD compares: Admixed American, 0.005%; no homozygotes.

Submission:

Labcorp Genetics (formerly Invitae), Labcorp
Classification: Uncertain significance for Left ventricular noncompaction 8. Last evaluated: 2022-12-10. Review status: criteria provided, single submitter. Criteria: Invitae Variant Classification Sherloc (09022015). Collection method: clinical testing. Allele origin: germline.
Comment: In summary, the available evidence is currently insufficient to determine the role of this variant in disease. Therefore, it has been classified as a Variant of Uncertain Significance. This variant has not been reported in the literature in individuals affected with PRDM16-related conditions. This variant is present in population databases (no rsID available, gnomAD 0.006%). This sequence change replaces aspartic acid, which is acidic and polar, with glutamic acid, which is acidic and polar, at codon 585 of the PRDM16 protein (p.Asp585Glu). Algorithms developed to predict the effect of missense changes on protein structure and function output the following: SIFT: "Tolerated"; PolyPhen-2: "Benign"; Align-GVGD: "Class C0". The glutamic acid amino acid residue is found in multiple mammalian species, which suggests that this missense change does not adversely affect protein function.

NM_022114.4(PRDM16):c.1755C>G (p.Asp585Glu)

Gene: PRDM16 (PR/SET domain 16; plus strand). Cytogenetic location: 1p36.32.
Variant type: single nucleotide variant.
Coding change: c.1755C>G on transcript NM_022114.4 (MANE Select); coding-DNA position 1755, C replaced by G.
Protein change: p.Asp585Glu; replaces aspartic acid 585 with glutamic acid.
Molecular consequence: missense variant.
Genome position (GRCh38, 1-based): chr1:3,411,952, C>G. VCF-style: chr1-3411952-C-G. GRCh37 (hg19) VCF-style: chr1-3328516-C-G.
Other names: c.1755C>G, p.Asp585Glu (NM_199454.3); short protein forms D585E.
Identifiers: ClinVar variation 2716107 (VCV002716107.3), dbSNP rs1471230869, ClinGen allele CA337998935.